The following is an entry in ClinVar:

ClinVar aggregate classification (germline): Uncertain significance (1 of 4 stars; one submission).

Allele frequency attached by ClinVar (database versions not stated): gnomAD exomes 0.00001.
gnomAD v4.1: 4 of 1,614,144 alleles (0.00025%); highest among the groups gnomAD compares: Non-Finnish European, 0.00025%; no homozygotes.

Submission:

GeneDx
Classification: Uncertain significance. Last evaluated: 2022-05-26. Review status: criteria provided, single submitter. Criteria: GeneDx Variant Classification Process June 2021. Collection method: clinical testing. Allele origin: germline. Affected: yes.
Comment: Not observed at significant frequency in large population cohorts (gnomAD); In silico analysis supports that this missense variant has a deleterious effect on protein structure/function; Has not been previously published as pathogenic or benign to our knowledge

NM_007103.4(NDUFV1):c.754C>T (p.Pro252Ser)

Gene: NDUFV1 (NADH:ubiquinone oxidoreductase core subunit V1; plus strand). Cytogenetic location: 11q13.2.
Variant type: single nucleotide variant.
Coding change: c.754C>T on transcript NM_007103.4 (MANE Select); coding-DNA position 754, C replaced by T.
Protein change: p.Pro252Ser; replaces proline 252 with serine.
Molecular consequence: missense variant.
Genome position (GRCh38, 1-based): chr11:67,611,048, C>T. VCF-style: chr11-67611048-C-T. GRCh37 (hg19) VCF-style: chr11-67378519-C-T.
Other names: c.727C>T, p.Pro243Ser (NM_001166102.2); short protein forms P252S, P243S.
Identifiers: ClinVar variation 423858 (VCV000423858.4), dbSNP rs1064796664, ClinGen allele CA16619385.